The following is an entry in ClinVar:

ClinVar aggregate classification (germline): Uncertain significance (1 of 4 stars; one submission).

Conditions:
Hereditary cancer-predisposing syndrome. Also called: Tumor predisposition; Hereditary Cancer Syndrome; Neoplastic Syndromes, Hereditary; Hereditary neoplastic syndrome. Identifiers: Orphanet 140162, MedGen C0027672, MeSH D009386, MONDO:0015356.

Submission:

Ambry Genetics
Classification: Uncertain significance for Hereditary cancer-predisposing syndrome. Last evaluated: 2022-07-12. Review status: criteria provided, single submitter. Criteria: Ambry Variant Classification Scheme 2023. Collection method: clinical testing. Allele origin: germline.
Comment: The p.K879Q variant (also known as c.2635A>C), located in coding exon 10 of the MET gene, results from an A to C substitution at nucleotide position 2635. The lysine at codon 879 is replaced by glutamine, an amino acid with similar properties. This amino acid position is conserved. In addition, the in silico prediction for this alteration is inconclusive. Since supporting evidence is limited at this time, the clinical significance of this alteration remains unclear.

NM_000245.4(MET):c.2581A>C (p.Lys861Gln)

Gene: MET (MET proto-oncogene, receptor tyrosine kinase; plus strand). Cytogenetic location: 7q31.2.
Variant type: single nucleotide variant.
Coding change: c.2581A>C on transcript NM_000245.4 (MANE Select); coding-DNA position 2581, A replaced by C.
Protein change: p.Lys861Gln; replaces lysine 861 with glutamine.
Molecular consequence: missense variant.
Genome position (GRCh38, 1-based): chr7:116,763,266, A>C. VCF-style: chr7-116763266-A-C. GRCh37 (hg19) VCF-style: chr7-116403320-A-C.
Other names: c.2635A>C, p.Lys879Gln (NM_001127500.3); c.2581A>C, p.Lys861Gln (NM_001324401.3); c.1291A>C, p.Lys431Gln (NM_001324402.2); short protein forms K879Q, K431Q, K861Q.
Identifiers: ClinVar variation 1794106 (VCV001794106.2), dbSNP rs2485743484, ClinGen allele CA368983723.